The following is an entry in ClinVar:

NM_031844.3(HNRNPU):c.2083_2084del (p.Ser695fs)

Gene: HNRNPU (heterogeneous nuclear ribonucleoprotein U; minus strand). Cytogenetic location: 1q44.
Variant type: Microsatellite.
Coding change: c.2083_2084del on transcript NM_031844.3 (MANE Select); coding-DNA positions 2083 to 2084, 2 bases deleted (AG; older notation c.2083_2084delAG).
Protein change: p.Ser695fs; shifts the reading frame from serine 695.
Molecular consequence: frameshift variant.
Genome position (GRCh38, 1-based): chr1:244,855,987-244,855,988, CT deleted on the plus strand (AG on the coding strand, the reverse complement: HNRNPU is on the minus strand); deleting any 2 consecutive bases within chr1:244,855,987-244,855,990 gives the same sequence; the c. name uses the placement nearest the transcript's 3' end. VCF-style (leftmost placement, unchanged base first): chr1-244855986-ACT-A. GRCh37 (hg19) VCF-style: chr1-245019288-ACT-A.
Other names: c.2026_2027del, p.Ser676fs (NM_004501.3); short protein forms S676fs, S695fs.
Identifiers: ClinVar variation 4292344 (VCV004292344.1).

ClinVar aggregate classification (germline): Pathogenic (1 of 4 stars; one submission).

Conditions:
Developmental and epileptic encephalopathy, 54. Also called: Epileptic encephalopathy, early infantile, 54; HNRNPU-Related Neurodevelopmental Disorder. Identifiers: MedGen C4479319, MONDO:0033363, OMIM 617391.

Submission:

3billion
Classification: Pathogenic for Developmental and epileptic encephalopathy, 54. Last evaluated: 2024-10-11. Review status: criteria provided, single submitter. Criteria: ACMG Guidelines, 2015. Collection method: clinical testing. Allele origin: germline. Affected: yes.
Comment: The variant is not observed in the gnomAD v4.1.0 dataset. Predicted Consequence/Location: Frameshift: predicted to result in a loss or disruption of normal protein function through nonsense-mediated decay (NMD) or protein truncation. Multiple pathogenic variants are reported downstream of the variant. The variant has been previously reported as de novo in a similarly affected individual (PMID: 32319732). The variant has been reported to be associated with HNRNPU related disorder (PMID: 32319732). Therefore, this variant is classified as Pathogenic according to the recommendation of ACMG/AMP guideline.

Literature cited by the submitters: PubMed 32319732.